The following is an entry in ClinVar:

ClinVar aggregate classification (germline): Uncertain significance (1 of 4 stars; one submission).

Submission:

CeGaT Center for Human Genetics Tuebingen
Classification: Uncertain significance. Last evaluated: 2026-04-01. Review status: criteria provided, single submitter. Criteria: CeGaT Center For Human Genetics Tuebingen Variant Classification Criteria Version 2. Collection method: clinical testing. Allele origin: germline. Affected: yes. Observed: 1 variant allele.
Comment: ITPR1: PM1, PM2

NM_001378452.1(ITPR1):c.1523A>G (p.Lys508Arg)

Gene: ITPR1 (inositol 1,4,5-trisphosphate receptor type 1; plus strand). Cytogenetic location: 3p26.1.
Variant type: single nucleotide variant.
Coding change: c.1523A>G on transcript NM_001378452.1 (MANE Select); coding-DNA position 1523, A replaced by G.
Protein change: p.Lys508Arg; replaces lysine 508 with arginine.
Molecular consequence: missense variant.
Genome position (GRCh38, 1-based): chr3:4,663,175, A>G. VCF-style: chr3-4663175-A-G. GRCh37 (hg19) VCF-style: chr3-4704859-A-G.
Other names: c.1523A>G, p.Lys508Arg (NM_001099952.4); c.1478A>G, p.Lys493Arg (NM_001168272.2, NM_002222.7); short protein forms K493R, K508R.
Identifiers: ClinVar variation 4874579 (VCV004874579.2).